The following is an entry in ClinVar:

ClinVar aggregate classification (germline): Uncertain significance (1 of 4 stars; one submission).

Conditions:
T-cell immunodeficiency, congenital alopecia, and nail dystrophy. Also called: Congenital alopecia and nail dystrophy associated with severe functional T-cell immunodeficiency; Pignata Guarino syndrome. Identifiers: Orphanet 169095, MedGen C1866426, MONDO:0011132, OMIM 601705.

Submission:

Labcorp Genetics (formerly Invitae), Labcorp
Classification: Uncertain significance for T-cell immunodeficiency, congenital alopecia, and nail dystrophy. Last evaluated: 2025-10-14. Review status: criteria provided, single submitter. Criteria: Invitae Variant Classification Sherloc (09022015). Collection method: clinical testing. Allele origin: germline.
Comment: This sequence change replaces glutamine, which is neutral and polar, with histidine, which is basic and polar, at codon 259 of the FOXN1 protein (p.Gln259His). This variant is not present in population databases (gnomAD no frequency). This variant has not been reported in the literature in individuals affected with FOXN1-related conditions. Invitae Evidence Modeling of protein sequence and biophysical properties (such as structural, functional, and spatial information, amino acid conservation, physicochemical variation, residue mobility, and thermodynamic stability) indicates that this missense variant is not expected to disrupt FOXN1 protein function with a negative predictive value of 80%. In summary, the available evidence is currently insufficient to determine the role of this variant in disease. Therefore, it has been classified as a Variant of Uncertain Significance.

NM_001369369.1(FOXN1):c.777G>C (p.Gln259His)

Gene: FOXN1 (forkhead box N1; plus strand). Cytogenetic location: 17q11.2.
Variant type: single nucleotide variant.
Coding change: c.777G>C on transcript NM_001369369.1 (MANE Select); coding-DNA position 777, G replaced by C.
Protein change: p.Gln259His; replaces glutamine 259 with histidine.
Molecular consequence: missense variant.
Genome position (GRCh38, 1-based): chr17:28,529,171, G>C. VCF-style: chr17-28529171-G-C. GRCh37 (hg19) VCF-style: chr17-26856189-G-C.
Other names: c.777G>C, p.Gln259His (NM_003593.3); short protein forms Q259H.
Identifiers: ClinVar variation 4774409 (VCV004774409.1).
Genomic context (GRCh38, chr17:28,529,171, plus strand): 5'-CAGCTACCCCATACCCTACCTGGGCTCCTCACACTATCAGTACCAGCGAATGGCACCCCA[G>C]GCCAGCACCGATGGGCACCAGCCTCTCTTCCCAAAACCCATCTATTCCTACAGGTACATT-3'
Protein context (NP_001356298.1, residues 249-269): SHYQYQRMAP[Gln259His]ASTDGHQPLF